The following is an entry in ClinVar:

NM_003872.3(NRP2):c.85G>A (p.Gly29Arg)

Gene: NRP2 (neuropilin 2; plus strand). Cytogenetic location: 2q33.3.
Variant type: single nucleotide variant.
Coding change: c.85G>A on transcript NM_003872.3 (MANE Select); coding-DNA position 85, G replaced by A.
Protein change: p.Gly29Arg; replaces glycine 29 with arginine.
Molecular consequence: missense variant.
Genome position (GRCh38, 1-based): chr2:205,697,555, G>A. VCF-style: chr2-205697555-G-A. GRCh37 (hg19) VCF-style: chr2-206562279-G-A.
Other names: c.85G>A, p.Gly29Arg (NM_018534.4, NM_201264.2, NM_201266.2 and 2 more transcripts); short protein forms G29R.
Identifiers: ClinVar variation 2636721 (VCV002636721.2), dbSNP rs1313539710, ClinGen allele CA350025927.

ClinVar aggregate classification (germline): Uncertain significance (0 of 4 stars; one submission).

Conditions:
NRP2-related disorder. Also called: NRP2-related condition.

Allele frequency attached by ClinVar (database versions not stated): gnomAD exomes below 0.00001; gnomAD 0.00001; TOPMed 0.00001.
gnomAD v4.1: 8 of 1,613,794 alleles (0.0005%); highest among the groups gnomAD compares: Admixed American, 0.0017%; no homozygotes.

Submission:

PreventionGenetics, part of Exact Sciences
Classification: Uncertain significance for NRP2-related condition. Last evaluated: 2024-08-16. Review status: no assertion criteria provided. Collection method: clinical testing. Allele origin: germline.
Comment: The NRP2 c.85G>A variant is predicted to result in the amino acid substitution p.Gly29Arg. To our knowledge, this variant has not been reported in the literature. This variant is reported in 0.00078% of alleles in individuals of European (Non-Finnish) descent in gnomAD. At this time, the clinical significance of this variant is uncertain due to the absence of conclusive functional and genetic evidence.